The following is an entry in ClinVar:

NC_000005.9:g.(?_52394432)_(52404493_?)del

Gene: MOCS2 (molybdenum cofactor synthesis 2; minus strand). Cytogenetic location: 5q11.2.
Variant type: Deletion.
Identifiers: ClinVar variation 3246510 (VCV003246510.1).

ClinVar aggregate classification (germline): Pathogenic (1 of 4 stars; one submission).

Submission:

Labcorp Genetics (formerly Invitae), Labcorp
Classification: Pathogenic. Last evaluated: 2023-04-28. Review status: criteria provided, single submitter. Criteria: Invitae Variant Classification Sherloc (09022015). Collection method: clinical testing. Allele origin: unknown.
Comment: For these reasons, this variant has been classified as Pathogenic. Please note, this variant is also classified as a Variant of Uncertain Significance in MOCS2A. This variant has not been reported in the literature in individuals affected with MOCS2B-related conditions. A gross deletion of the genomic region encompassing the full coding sequence of the MOCS2B gene has been identified. Loss-of-function variants in MOCS2B are known to be pathogenic (PMID: 21031595). The boundaries of this event are unknown as they extend beyond the assayed region for this gene and therefore may encompass additional genes. The MOCS2 gene encodes two different proteins which are translated from alternative transcripts, MOCS2A and MOCS2B, that have different open reading frames. This variant occurs in MOCS2B, and also corresponds to Deletion (Exons 2-7) in MOCS2A.

Literature cited by the submitters: PubMed 21031595.